The following is an entry in ClinVar:

ClinVar aggregate classification (germline): Uncertain significance (1 of 4 stars; one submission).

Allele frequency attached by ClinVar (database versions not stated): TOPMed below 0.00001; gnomAD 0.00001; gnomAD exomes 0.00001; ExAC 0.00002.

Submission:

CeGaT Center for Human Genetics Tuebingen
Classification: Uncertain significance. Last evaluated: 2024-05-01. Review status: criteria provided, single submitter. Criteria: CeGaT Center For Human Genetics Tuebingen Variant Classification Criteria Version 2. Collection method: clinical testing. Allele origin: germline. Affected: yes. Observed: 1 variant allele.
Comment: RDX: PM2:Supporting, BP4

NM_002906.4(RDX):c.1181G>A (p.Arg394Gln)

Gene: RDX (radixin; minus strand). Cytogenetic location: 11q22.3.
Variant type: single nucleotide variant.
Coding change: c.1181G>A on transcript NM_002906.4 (MANE Select); coding-DNA position 1181, G replaced by A.
Protein change: p.Arg394Gln; replaces arginine 394 with glutamine.
Molecular consequence: missense variant. On other transcripts: intron variant (1).
Genome position (GRCh38, 1-based): chr11:110,237,562, C>T on the plus strand (G>A on the coding strand, the complement: RDX is on the minus strand). VCF-style: chr11-110237562-C-T. GRCh37 (hg19) VCF-style: chr11-110108287-C-T.
Other names: c.1181G>A, p.Arg394Gln (NM_001260492.2, NM_001260493.2); c.773G>A, p.Arg258Gln (NM_001260494.2); c.140G>A, p.Arg47Gln (NM_001260495.2); c.405-5558G>A (NM_001260496.2); short protein forms R258Q, R394Q, R47Q.
Identifiers: ClinVar variation 3239309 (VCV003239309.19), dbSNP rs780679073.